The following is an entry in ClinVar:

NM_002471.4(MYH6):c.5735_5736insTGA (p.Ala1912_Asp1913insGlu)

Gene: MYH6 (myosin heavy chain 6; minus strand). Cytogenetic location: 14q11.2.
Variant type: Insertion.
Coding change: c.5735_5736insTGA on transcript NM_002471.4 (MANE Select); coding-DNA positions 5735 to 5736, TGA inserted.
Protein change: p.Ala1912_Asp1913insGlu.
Molecular consequence: inframe insertion.
Genome position: GRCh38 VCF-style: chr14-23382488-C-CTCA. GRCh37 (hg19) VCF-style: chr14-23851697-C-CTCA.
Identifiers: ClinVar variation 5005302 (VCV005005302.2).

ClinVar aggregate classification (germline): Uncertain significance (1 of 4 stars; one submission).

Conditions:
Hypertrophic cardiomyopathy 14. Identifiers: MedGen C2750467, MONDO:0013197, OMIM 613251.
Dilated cardiomyopathy 1EE (CMD1EE). Identifiers: Orphanet 154, MedGen C2750466, MONDO:0013198, OMIM 613252.
Atrial septal defect 3 (ASD3). Identifiers: Orphanet 1478, MedGen C3279790, MONDO:0013567, OMIM 614089.
Sick sinus syndrome 3, susceptibility to (SSS3). Identifiers: Orphanet 166282, MedGen C3279791, MONDO:0013568, OMIM 614090.

Submission:

Juno Genomics, Hangzhou Juno Genomics, Inc
Classification: Uncertain significance for Atrial septal defect 3; Sick sinus syndrome 3, susceptibility to; Dilated cardiomyopathy 1EE; Hypertrophic cardiomyopathy 14. Review status: criteria provided, single submitter. Criteria: ACMG Guidelines, 2015. Collection method: clinical testing. Allele origin: germline.
Comment: Absent from controls (or at extremely low frequency if recessive) in Genome Aggregation Database.;Protein length changes due to in-frame deletions/insertions in a non-repeat region or stop-loss variants.